The following is an entry in ClinVar:

NM_000044.6(AR):c.2450-1G>A

Gene: AR (androgen receptor; plus strand). Cytogenetic location: Xq12.
Variant type: single nucleotide variant.
Coding change: c.2450-1G>A on transcript NM_000044.6 (MANE Select); the canonical splice acceptor site of the intron before coding-DNA position 2450, G replaced by A.
Molecular consequence: splice acceptor variant.
Genome position (GRCh38, 1-based): chrX:67,722,826, G>A. VCF-style: chrX-67722826-G-A. GRCh37 (hg19) VCF-style: chrX-66942668-G-A.
Other names: c.854-1G>A (NM_001011645.3).
Identifiers: ClinVar variation 419726 (VCV000419726.2), dbSNP rs1064794069, ClinGen allele CA16621467.
Genomic context (GRCh38, chrX:67,722,826, plus strand): 5'-TTGTCTAATGCTCCTTCGTGGGCATGCTTCCCCTCCCCATTCTGTCTTCATCCCACATCA[G>A]TTCCAGTGGATGGGCTGAAAAATCAAAAATTCTTTGATGAACTTCGAATGAACTACATCA-3'

ClinVar aggregate classification (germline): Pathogenic (1 of 4 stars; one submission).

Submission:

GeneDx
Classification: Pathogenic. Last evaluated: 2015-08-14. Review status: criteria provided, single submitter. Criteria: GeneDx Variant Classification (06012015). Collection method: clinical testing. Allele origin: germline. Affected: yes.
Comment: The c.2450-1 G>A splice site variant in the AR gene destroys the canonical splice acceptor site in intron 6. It is predicted to cause abnormal gene splicing, either leading to an abnormal message that is subject to nonsense-mediated mRNA decay, or to an abnormal protein product if the message is used for protein translation. This variant was not observed in approximately 6,500 individuals of European and African American ancestry in the NHLBI Exome Sequencing Project, indicating it is not a common benign variant in these populations. Although this variant has not been previously reported to our knowledge, we interpret it as pathogenic.